The following is an entry in ClinVar:

NM_000051.4(ATM):c.7257A>G (p.Arg2419=)

Genes: ATM (ATM serine/threonine kinase; plus strand), C11orf65 (chromosome 11 open reading frame 65; minus strand). Cytogenetic location: 11q22.3.
Variant type: single nucleotide variant.
Coding change: c.7257A>G on transcript NM_000051.4 (MANE Select); coding-DNA position 7257, A replaced by G.
Protein change: p.Arg2419=; no amino-acid change (arginine 2419 retained).
Molecular consequence: synonymous variant. On other transcripts: intron variant (2).
Genome position (GRCh38, 1-based): chr11:108,329,188, A>G. VCF-style: chr11-108329188-A-G. GRCh37 (hg19) VCF-style: chr11-108199915-A-G.
Other names: c.7257A>G, p.Arg2419= (NM_001351834.2); c.641-20117T>C (NM_001330368.2); c.*38+6032T>C (NM_001351110.2).
Identifiers: ClinVar variation 742178 (VCV000742178.14), dbSNP rs1591151857, ClinGen allele CA476676750.

ClinVar aggregate classification (germline): Benign/Likely benign. Review status: criteria provided, multiple submitters, no conflicts (2 of 4 stars). 4 submissions from 4 submitters: Benign (1); Likely benign (3). Last evaluated 2025-08-10.

Conditions:
Familial cancer of breast. Also called: Hereditary breast cancer; BREAST CANCER, FAMILIAL; hereditary breast carcinoma. Identifiers: Orphanet 227535, MedGen C0346153, MONDO:0016419, OMIM 114480. Disease mechanism: loss of function.
Hereditary cancer-predisposing syndrome. Also called: Tumor predisposition; Hereditary neoplastic syndrome; Neoplastic Syndromes, Hereditary; Hereditary Cancer Syndrome. Identifiers: Orphanet 140162, MedGen C0027672, MeSH D009386, MONDO:0015356.
Ataxia-telangiectasia syndrome (AT). Also called: Ataxia-telangiectasia, complementation group D; AT, COMPLEMENTATION GROUP C; ATAXIA-TELANGIECTASIA, COMPLEMENTATION GROUP A; ATAXIA-TELANGIECTASIA, FRESNO VARIANT; Ataxia-telangiectasia; LOUIS-BAR SYNDROME. Identifiers: Orphanet 100, MedGen C0004135, MONDO:0008840, OMIM 208900.

gnomAD v4.1: 2 of 1,614,106 alleles (0.00012%); highest among the groups gnomAD compares: Non-Finnish European, 0.00017%; no homozygotes.

Submissions (4):

Color Diagnostics, LLC DBA Color Health
Classification: Likely benign for Hereditary cancer-predisposing syndrome. Last evaluated: 2025-08-10. Review status: criteria provided, single submitter. Criteria: ACMG Guidelines, 2015. Collection method: clinical testing. Allele origin: germline.

Myriad Genetics, Inc.
Classification: Benign for Familial cancer of breast. Last evaluated: 2024-06-13. Review status: criteria provided, single submitter. Criteria: Myriad Autosomal Dominant, Autosomal Recessive and X-Linked Classification Criteria (2023). Collection method: clinical testing. Allele origin: unknown.
Comment: This variant is considered benign. This variant is a silent/synonymous amino acid change and it is not expected to impact splicing.

Labcorp Genetics (formerly Invitae), Labcorp
Classification: Likely benign for Ataxia-telangiectasia syndrome. Last evaluated: 2024-02-17. Review status: criteria provided, single submitter. Criteria: Invitae Variant Classification Sherloc (09022015). Collection method: clinical testing. Allele origin: germline.

Ambry Genetics
Classification: Likely benign for Hereditary cancer-predisposing syndrome. Last evaluated: 2015-10-26. Review status: criteria provided, single submitter. Criteria: Ambry Variant Classification Scheme 2023. Collection method: clinical testing. Allele origin: germline.